The following is an entry in ClinVar:

ClinVar aggregate classification (germline): Likely benign. Review status: reviewed by expert panel (3 of 4 stars). 4 submissions from 4 submitters: Likely benign (1). 3 of the submissions do not count toward it. Last evaluated 2017-06-29.

Conditions:
Hereditary cancer-predisposing syndrome. Also called: Tumor predisposition; Hereditary Cancer Syndrome; Hereditary neoplastic syndrome; Neoplastic Syndromes, Hereditary. Identifiers: Orphanet 140162, MedGen C0027672, MeSH D009386, MONDO:0015356.
Hereditary breast ovarian cancer syndrome. Also called: Hereditary breast and ovarian cancer; Breast and ovarian cancer; BRCA1- and BRCA2-Associated Hereditary Breast and Ovarian Cancer; Hereditary breast and ovarian cancer syndrome; Hereditary breast and ovarian cancer syndrome (HBOC); Hereditary breast and/or ovarian cancer syndrome. Identifiers: Orphanet 145, MedGen C0677776, MeSH D061325, MONDO:0003582. Disease mechanism: loss of function.
Breast-ovarian cancer, familial, susceptibility to, 2 (BROVCA2). Also called: BRCA2 Hereditary Breast and Ovarian Cancer. Identifiers: Orphanet 145, MedGen C2675520, MONDO:0012933, OMIM 612555. Disease mechanism: loss of function.

Allele frequency attached by ClinVar (database versions not stated): gnomAD exomes below 0.00001.
gnomAD v4.1: 1 of 1,601,438 alleles (0.000062%); highest among the groups gnomAD compares: Middle Eastern, 0.017%; no homozygotes.

Submissions (4):

Evidence-based Network for the Interpretation of Germline Mutant Alleles (ENIGMA)
Classification: Likely benign for Breast-ovarian cancer, familial, susceptibility to, 2. Last evaluated: 2017-06-29. Review status: reviewed by expert panel. Criteria: ENIGMA BRCA1/2 Classification Criteria (2017-06-29). Collection method: curation. Allele origin: germline.
Comment: Synonymous substitution variant, with low bioinformatic likelihood to result in a splicing aberration (Splicing prior probability 0.02).

Labcorp Genetics (formerly Invitae), Labcorp
Classification: Likely benign for Hereditary breast ovarian cancer syndrome. Last evaluated: 2022-10-30. Review status: criteria provided, single submitter. Criteria: Invitae Variant Classification Sherloc (09022015). Collection method: clinical testing. Allele origin: germline. Not counted in ClinVar's aggregate classification.

Ambry Genetics
Classification: Likely benign for Hereditary cancer-predisposing syndrome. Last evaluated: 2015-07-29. Review status: criteria provided, single submitter. Criteria: Ambry Variant Classification Scheme 2023. Collection method: clinical testing. Allele origin: germline. Not counted in ClinVar's aggregate classification.

Breakthrough Genomics
Classification: Likely benign. Review status: criteria provided, single submitter. Criteria: ACMG Guidelines, 2015. Collection method: not provided. Allele origin: germline. Inheritance: Autosomal recessive inheritance. Affected: yes. Not counted in ClinVar's aggregate classification.

NM_000059.4(BRCA2):c.399A>G (p.Pro133=)

Gene: BRCA2 (BRCA2 DNA repair associated; plus strand). Cytogenetic location: 13q13.1.
Variant type: single nucleotide variant.
Coding change: c.399A>G on transcript NM_000059.4 (MANE Select); coding-DNA position 399, A replaced by G.
Protein change: p.Pro133=; no amino-acid change (proline 133 retained).
Molecular consequence: synonymous variant.
Genome position (GRCh38, 1-based): chr13:32,325,158, A>G. VCF-style: chr13-32325158-A-G. GRCh37 (hg19) VCF-style: chr13-32899295-A-G.
Identifiers: ClinVar variation 233290 (VCV000233290.17), dbSNP rs876660310, ClinGen allele CA10579456.